The following is an entry in ClinVar:

NM_001042492.3(NF1):c.1597del (p.Val533fs)

Gene: NF1 (neurofibromin 1; plus strand). Cytogenetic location: 17q11.2.
Variant type: Deletion.
Coding change: c.1597del on transcript NM_001042492.3 (MANE Select); coding-DNA position 1597, one base deleted (G; older notation c.1597delG).
Protein change: p.Val533fs; shifts the reading frame from valine 533.
Molecular consequence: frameshift variant.
Genome position (GRCh38, 1-based): chr17:31,219,074, G deleted; the last of 2 consecutive G bases (chr17:31,219,073-31,219,074); deleting either gives the same sequence. VCF-style (leftmost placement, unchanged base first): chr17-31219072-TG-T. GRCh37 (hg19) VCF-style: chr17-29546090-TG-T.
Other names: c.1597del, p.Val533fs (NM_001128147.3); c.1597delG, p.Val533Serfs (NM_000267.4); short protein forms V533fs.
Identifiers: ClinVar variation 1417912 (VCV001417912.6), dbSNP rs2143986707, ClinGen allele CA2573153214.

ClinVar aggregate classification (germline): Pathogenic (1 of 4 stars; one submission).

Conditions:
Neurofibromatosis, type 1 (NF1). Also called: Peripheral type neurofibromatosis; Neurofibromatosis, type I; VON RECKLINGHAUSEN DISEASE; NEUROFIBROMATOSIS, TYPE I, SOMATIC. Identifiers: Orphanet 636, MedGen C0027831, MONDO:0018975, OMIM 162200. Disease mechanism: loss of function.

Submission:

Labcorp Genetics (formerly Invitae), Labcorp
Classification: Pathogenic for Neurofibromatosis, type 1. Last evaluated: 2021-10-21. Review status: criteria provided, single submitter. Criteria: Invitae Variant Classification Sherloc (09022015). Collection method: clinical testing. Allele origin: germline.
Comment: This sequence change creates a premature translational stop signal (p.Val533Serfs*23) in the NF1 gene. It is expected to result in an absent or disrupted protein product. Loss-of-function variants in NF1 are known to be pathogenic (PMID: 10712197, 23913538). This variant is not present in population databases (ExAC no frequency). This variant has not been reported in the literature in individuals affected with NF1-related conditions. For these reasons, this variant has been classified as Pathogenic.

Literature cited by the submitters: PubMed 10712197; PubMed 23913538.